The following is an entry in ClinVar:

NM_000064.4(C3):c.322G>C (p.Val108Leu)

Gene: C3 (complement C3; minus strand). Cytogenetic location: 19p13.3.
Variant type: single nucleotide variant.
Coding change: c.322G>C on transcript NM_000064.4 (MANE Select); coding-DNA position 322, G replaced by C.
Protein change: p.Val108Leu; replaces valine 108 with leucine.
Molecular consequence: missense variant.
Genome position (GRCh38, 1-based): chr19:6,718,358, C>G on the plus strand (G>C on the coding strand, the complement: C3 is on the minus strand). VCF-style: chr19-6718358-C-G. GRCh37 (hg19) VCF-style: chr19-6718369-C-G.
Other names: short protein forms V108L.
Identifiers: ClinVar variation 4745529 (VCV004745529.1).

ClinVar aggregate classification (germline): Uncertain significance (1 of 4 stars; one submission).

gnomAD v4.1: 1 of 1,614,232 alleles (0.000062%); highest among the groups gnomAD compares: Non-Finnish European, 0.000085%; no homozygotes.

Submission:

Labcorp Genetics (formerly Invitae), Labcorp
Classification: Uncertain significance. Last evaluated: 2025-08-10. Review status: criteria provided, single submitter. Criteria: Invitae Variant Classification Sherloc (09022015). Collection method: clinical testing. Allele origin: germline.
Comment: This sequence change replaces valine, which is neutral and non-polar, with leucine, which is neutral and non-polar, at codon 108 of the C3 protein (p.Val108Leu). This variant is not present in population databases (gnomAD no frequency). This variant has not been reported in the literature in individuals affected with C3-related conditions. Invitae Evidence Modeling of protein sequence and biophysical properties (such as structural, functional, and spatial information, amino acid conservation, physicochemical variation, residue mobility, and thermodynamic stability) indicates that this missense variant is not expected to disrupt C3 protein function with a negative predictive value of 80%. In summary, the available evidence is currently insufficient to determine the role of this variant in disease. Therefore, it has been classified as a Variant of Uncertain Significance.